The following is an entry in ClinVar:

NM_138694.4(PKHD1):c.4266G>A (p.Arg1422=)

Gene: PKHD1 (PKHD1 ciliary IPT domain containing fibrocystin/polyductin; minus strand). Cytogenetic location: 6p12.2.
Variant type: single nucleotide variant.
Coding change: c.4266G>A on transcript NM_138694.4 (MANE Select); coding-DNA position 4266, G replaced by A.
Protein change: p.Arg1422=; no amino-acid change (arginine 1422 retained).
Molecular consequence: synonymous variant.
Genome position (GRCh38, 1-based): chr6:52,025,544, C>T on the plus strand (G>A on the coding strand, the complement: PKHD1 is on the minus strand). VCF-style: chr6-52025544-C-T. GRCh37 (hg19) VCF-style: chr6-51890342-C-T.
Other names: c.4266G>A, p.Arg1422= (NM_170724.3).
Identifiers: ClinVar variation 598670 (VCV000598670.22), dbSNP rs146468152, ClinGen allele CA3852748.
Genomic context (GRCh38, chr6:52,025,544, plus strand): 5'-GAGAATGGTGTGGTCTCCCAAACTCAAAATCACACAAGTAAAAGGACCCGAGAGGTCAAC[C>T]CGAACTGACCTCCTTCTAGAGTTAAGAAGCAACCCCCTCACAGTAAGTATGGTCCCACCA-3'
Protein context (NP_619639.3, residues 1412-1432): LLLNSRRRSV[Arg1422=]VDLSGPFTCV

ClinVar aggregate classification (germline): Conflicting classifications of pathogenicity. Review status: criteria provided, conflicting classifications (1 of 4 stars). 4 submissions from 4 submitters: Uncertain significance (1); Likely benign (1). 2 of the submissions do not count toward it. Last evaluated 2026-01-05.

Conditions:
PKHD1-related disorder. Also called: PKHD1-related condition.
Autosomal recessive polycystic kidney disease (ARPKD). Also called: AR polycystic kidney disease. Identifiers: Orphanet 731, Orphanet 8378, MedGen C0085548, MeSH D017044, MONDO:0009889.

Allele frequency attached by ClinVar (database versions not stated): gnomAD exomes 0.00002 and 0.00006; ExAC 0.00008; ESP Exome Variant Server 0.00008; TOPMed 0.00025; gnomAD 0.00027 and 0.00029; 1000 Genomes Project 0.00040; 1000 Genomes Project 30x 0.00047.
gnomAD v4.1: 78 of 1,614,138 alleles (0.0048%); highest among the groups gnomAD compares: African/African-American, 0.087%; no homozygotes.

Submissions (4):

Labcorp Genetics (formerly Invitae), Labcorp
Classification: Likely benign for Autosomal recessive polycystic kidney disease. Last evaluated: 2026-01-05. Review status: criteria provided, single submitter. Criteria: Invitae Variant Classification Sherloc (09022015). Collection method: clinical testing. Allele origin: germline.

Eurofins Ntd Llc (ga)
Classification: Uncertain significance. Last evaluated: 2018-09-07. Review status: criteria provided, single submitter. Criteria: EGL ClinVar v180209 classification definitions. Collection method: clinical testing. Allele origin: germline. Observed: 1 variant allele, 1 heterozygote.

PreventionGenetics, part of Exact Sciences
Classification: Likely benign for PKHD1-related condition. Last evaluated: 2021-09-14. Review status: no assertion criteria provided. Collection method: clinical testing. Allele origin: germline. Not counted in ClinVar's aggregate classification.
Comment: This variant is classified as likely benign based on ACMG/AMP sequence variant interpretation guidelines (Richards et al. 2015 PMID: 25741868, with internal and published modifications).

Natera, Inc.
Classification: Likely benign for Autosomal recessive polycystic kidney disease. Last evaluated: 2021-05-15. Review status: no assertion criteria provided. Collection method: clinical testing. Allele origin: germline. Not counted in ClinVar's aggregate classification.